The following is an entry in ClinVar:

ClinVar aggregate classification (germline): Uncertain significance (1 of 4 stars; one submission).

Conditions:
Beckwith-Wiedemann syndrome (BWS). Also called: Exomphalos macroglossia gigantism syndrome; EMG SYNDROME. Identifiers: Orphanet 116, MedGen C0004903, MONDO:0007534, OMIM 130650.

Submission:

Labcorp Genetics (formerly Invitae), Labcorp
Classification: Uncertain significance for Beckwith-Wiedemann syndrome. Last evaluated: 2025-03-12. Review status: criteria provided, single submitter. Criteria: Invitae Variant Classification Sherloc (09022015). Collection method: clinical testing. Allele origin: germline.
Comment: This sequence change replaces leucine, which is neutral and non-polar, with valine, which is neutral and non-polar, at codon 24 of the CDKN1C protein (p.Leu24Val). This variant is not present in population databases (gnomAD no frequency). This variant has not been reported in the literature in individuals affected with CDKN1C-related conditions. Invitae Evidence Modeling of protein sequence and biophysical properties (such as structural, functional, and spatial information, amino acid conservation, physicochemical variation, residue mobility, and thermodynamic stability) indicates that this missense variant is not expected to disrupt CDKN1C protein function with a negative predictive value of 80%. In summary, the available evidence is currently insufficient to determine the role of this variant in disease. Therefore, it has been classified as a Variant of Uncertain Significance.

NM_001122630.2(CDKN1C):c.37C>G (p.Leu13Val)

Gene: CDKN1C (cyclin dependent kinase inhibitor 1C; minus strand). Cytogenetic location: 11p15.4.
Variant type: single nucleotide variant.
Coding change: c.37C>G on transcript NM_001122630.2 (MANE Select); coding-DNA position 37, C replaced by G.
Protein change: p.Leu13Val; replaces leucine 13 with valine.
Molecular consequence: missense variant.
Genome position (GRCh38, 1-based): chr11:2,885,420, G>C on the plus strand (C>G on the coding strand, the complement: CDKN1C is on the minus strand). VCF-style: chr11-2885420-G-C. GRCh37 (hg19) VCF-style: chr11-2906650-G-C.
Other names: c.70C>G, p.Leu24Val (NM_000076.2, NM_001362474.2); c.37C>G, p.Leu13Val (NM_001122631.2, NM_001362475.2); short protein forms L24V, L13V.
Identifiers: ClinVar variation 3653077 (VCV003653077.2).